The following is an entry in ClinVar:

NM_021930.6(RINT1):c.26C>T (p.Ala9Val)

Gene: RINT1 (RAD50 interactor 1; plus strand). Cytogenetic location: 7q22.3.
Variant type: single nucleotide variant.
Coding change: c.26C>T on transcript NM_021930.6 (MANE Select); coding-DNA position 26, C replaced by T.
Protein change: p.Ala9Val; replaces alanine 9 with valine.
Molecular consequence: missense variant. On other transcripts: 5 prime UTR variant (4), non-coding transcript variant (1).
Genome position (GRCh38, 1-based): chr7:105,532,341, C>T. VCF-style: chr7-105532341-C-T. GRCh37 (hg19) VCF-style: chr7-105172788-C-T.
Other names: c.-72C>T (NM_001346599.2); c.-994C>T (NM_001346600.2); c.-897C>T (NM_001346601.2); c.-517C>T (NM_001346603.2); short protein forms A9V.
Identifiers: ClinVar variation 2496983 (VCV002496983.2), dbSNP rs764326516, ClinGen allele CA4426308.

ClinVar aggregate classification (germline): Uncertain significance (1 of 4 stars; one submission).

Allele frequency attached by ClinVar (database versions not stated): gnomAD exomes below 0.00001; ExAC 0.00002.
gnomAD v4.1: 2 of 1,599,822 alleles (0.00013%); highest among the groups gnomAD compares: Admixed American, 0.0017%; no homozygotes.

Submission:

Ambry Genetics
Classification: Uncertain significance. Last evaluated: 2022-12-03. Review status: criteria provided, single submitter. Criteria: Ambry Variant Classification Scheme 2023. Collection method: clinical testing. Allele origin: germline.
Comment: The p.A9V variant (also known as c.26C>T), located in coding exon 1 of the RINT1 gene, results from a C to T substitution at nucleotide position 26. The alanine at codon 9 is replaced by valine, an amino acid with similar properties. This amino acid position is conserved. In addition, this alteration is predicted to be tolerated by in silico analysis. Since supporting evidence is limited at this time, the clinical significance of this alteration remains unclear.